The following is an entry in ClinVar:

ClinVar aggregate classification (germline): Uncertain significance (1 of 4 stars; one submission).

Allele frequency attached by ClinVar (database versions not stated): gnomAD exomes 0.00001.

Submission:

Labcorp Genetics (formerly Invitae), Labcorp
Classification: Uncertain significance. Last evaluated: 2022-08-24. Review status: criteria provided, single submitter. Criteria: Invitae Variant Classification Sherloc (09022015). Collection method: clinical testing. Allele origin: germline.
Comment: In summary, the available evidence is currently insufficient to determine the role of this variant in disease. Therefore, it has been classified as a Variant of Uncertain Significance. Algorithms developed to predict the effect of missense changes on protein structure and function are either unavailable or do not agree on the potential impact of this missense change (SIFT: "Deleterious"; PolyPhen-2: "Probably Damaging"; Align-GVGD: "Class C0"). This variant has not been reported in the literature in individuals affected with KLF10-related conditions. This variant is not present in population databases (gnomAD no frequency). This sequence change replaces arginine, which is basic and polar, with histidine, which is basic and polar, at codon 450 of the KLF10 protein (p.Arg450His).

NM_005655.4(KLF10):c.1349G>A (p.Arg450His)

Gene: KLF10 (KLF transcription factor 10; minus strand). Cytogenetic location: 8q22.3.
Variant type: single nucleotide variant.
Coding change: c.1349G>A on transcript NM_005655.4 (MANE Select); coding-DNA position 1349, G replaced by A.
Protein change: p.Arg450His; replaces arginine 450 with histidine.
Molecular consequence: missense variant. On other transcripts: non-coding transcript variant (2).
Genome position (GRCh38, 1-based): chr8:102,650,226, C>T on the plus strand (G>A on the coding strand, the complement: KLF10 is on the minus strand). VCF-style: chr8-102650226-C-T. GRCh37 (hg19) VCF-style: chr8-103662454-C-T.
Other names: c.1316G>A, p.Arg439His (NM_001032282.4); short protein forms R439H, R450H.
Identifiers: ClinVar variation 2026763 (VCV002026763.4), dbSNP rs2537068300, ClinGen allele CA371622216.